The following is an entry in ClinVar:

ClinVar aggregate classification (germline): Benign/Likely benign. Review status: criteria provided, multiple submitters, no conflicts (2 of 4 stars). 5 submissions from 5 submitters: Benign (1); Likely benign (4). Last evaluated 2025-01-08.

Conditions:
Hereditary nonpolyposis colorectal neoplasms. Identifiers: MedGen C0009405, MeSH D003123.
Hereditary cancer-predisposing syndrome. Also called: Neoplastic Syndromes, Hereditary; Tumor predisposition; Hereditary Cancer Syndrome; Hereditary neoplastic syndrome. Identifiers: Orphanet 140162, MedGen C0027672, MeSH D009386, MONDO:0015356.
Lynch syndrome 5 (LYNCH5). Also called: Colorectal cancer, hereditary nonpolyposis, type 5; Hereditary non-polyposis colorectal cancer, type 5. Identifiers: Orphanet 144, MedGen C1833477, MONDO:0013710, OMIM 614350. Disease mechanism: loss of function.

Allele frequency attached by ClinVar (database versions not stated): TOPMed below 0.00001.

Submissions (5):

Myriad Genetics, Inc.
Classification: Benign for Lynch syndrome 5. Last evaluated: 2025-01-08. Review status: criteria provided, single submitter. Criteria: Myriad Autosomal Dominant, Autosomal Recessive and X-Linked Classification Criteria (2023). Collection method: clinical testing. Allele origin: unknown.
Comment: This variant is considered benign. This variant is a silent/synonymous amino acid change and it is not expected to impact splicing.

Labcorp Genetics (formerly Invitae), Labcorp
Classification: Likely benign for Hereditary nonpolyposis colorectal neoplasms. Last evaluated: 2024-05-10. Review status: criteria provided, single submitter. Criteria: Invitae Variant Classification Sherloc (09022015). Collection method: clinical testing. Allele origin: germline.

Color Diagnostics, LLC DBA Color Health
Classification: Likely benign for Hereditary cancer-predisposing syndrome. Last evaluated: 2021-09-22. Review status: criteria provided, single submitter. Criteria: ACMG Guidelines, 2015. Collection method: clinical testing. Allele origin: germline.

GeneDx
Classification: Likely benign. Last evaluated: 2018-07-19. Review status: criteria provided, single submitter. Criteria: GeneDx Variant Classification Process June 2021. Collection method: clinical testing. Allele origin: germline. Affected: yes.

Ambry Genetics
Classification: Likely benign for Hereditary cancer-predisposing syndrome. Last evaluated: 2015-06-05. Review status: criteria provided, single submitter. Criteria: Ambry Variant Classification Scheme 2023. Collection method: clinical testing. Allele origin: germline.

NM_000179.3(MSH6):c.3921T>C (p.Asn1307=)

Gene: MSH6 (mutS homolog 6; plus strand). Cytogenetic location: 2p16.3.
Variant type: single nucleotide variant.
Coding change: c.3921T>C on transcript NM_000179.3 (MANE Select); coding-DNA position 3921, T replaced by C.
Protein change: p.Asn1307=; no amino-acid change (asparagine 1307 retained).
Molecular consequence: synonymous variant.
Genome position (GRCh38, 1-based): chr2:47,806,571, T>C. VCF-style: chr2-47806571-T-C. GRCh37 (hg19) VCF-style: chr2-48033710-T-C.
Other names: c.3531T>C, p.Asn1177= (NM_001281492.2); c.3015T>C, p.Asn1005= (NM_001281493.2, NM_001281494.2).
Identifiers: ClinVar variation 232266 (VCV000232266.19), dbSNP rs876659660, ClinGen allele CA10578168.